The following is an entry in ClinVar:

ClinVar aggregate classification (germline): Benign (0 of 4 stars; one submission).

Conditions:
MEG3-related disorder. Also called: MEG3-related condition.

Allele frequency attached by ClinVar (database versions not stated): 1000 Genomes Project 0.00339; 1000 Genomes Project 30x 0.00344.
gnomAD v4.1: 471 of 223,184 alleles (0.21%); highest among the groups gnomAD compares: African/African-American, 0.99%; 3 homozygotes.

Submission:

PreventionGenetics, part of Exact Sciences
Classification: Benign for MEG3-related condition. Last evaluated: 2020-01-02. Review status: no assertion criteria provided. Collection method: clinical testing. Allele origin: germline.
Comment: This variant is classified as benign based on ACMG/AMP sequence variant interpretation guidelines (Richards et al. 2015 PMID: 25741868, with internal and published modifications).

NR_046473.1(MEG3):n.8115C>T

Gene: MEG3 (maternally expressed 3; plus strand). Cytogenetic location: 14q32.2.
Variant type: single nucleotide variant.
Molecular consequence: non-coding transcript variant (on NR_046473.1).
Genome position: GRCh38 VCF-style: chr14-100852731-C-T. GRCh37 (hg19) VCF-style: chr14-101319068-C-T.
Identifiers: ClinVar variation 3053291 (VCV003053291.2), dbSNP rs115967510, ClinGen allele CA266871684.